The following is an entry in ClinVar:

ClinVar aggregate classification (germline): Uncertain significance (1 of 4 stars; one submission).

Conditions:
Methylmalonic acidemia with homocystinuria, type cblJ (MAHCJ). Also called: METHYLMALONIC ACIDURIA AND HOMOCYSTINURIA, cblJ TYPE. Identifiers: Orphanet 369955, MedGen C3553915, MONDO:0013925, OMIM 614857.

Submission:

Labcorp Genetics (formerly Invitae), Labcorp
Classification: Uncertain significance for Methylmalonic acidemia with homocystinuria, type cblJ. Last evaluated: 2021-08-12. Review status: criteria provided, single submitter. Criteria: Invitae Variant Classification Sherloc (09022015). Collection method: clinical testing. Allele origin: germline.
Comment: This variant is not present in population databases (ExAC no frequency). In summary, the available evidence is currently insufficient to determine the role of this variant in disease. Therefore, it has been classified as a Variant of Uncertain Significance. Experimental studies and prediction algorithms are not available or were not evaluated, and the functional significance of this variant is currently unknown. This variant has not been reported in the literature in individuals affected with ABCD4-related conditions. This sequence change affects the initiator methionine of the ABCD4 mRNA. The next in-frame methionine is located at codon 42.

NM_005050.4(ABCD4):c.1A>G (p.Met1Val)

Gene: ABCD4 (ATP binding cassette subfamily D member 4; minus strand). Cytogenetic location: 14q24.3.
Variant type: single nucleotide variant.
Coding change: c.1A>G on transcript NM_005050.4 (MANE Select); coding-DNA position 1, A replaced by G.
Protein change: p.Met1Val; changes the start codon (methionine 1).
Molecular consequence: missense variant, initiator codon variant. On other transcripts: 5 prime UTR variant (19), non-coding transcript variant (10).
Genome position (GRCh38, 1-based): chr14:74,302,912, T>C on the plus strand (A>G on the coding strand, the complement: ABCD4 is on the minus strand). VCF-style: chr14-74302912-T-C. GRCh37 (hg19) VCF-style: chr14-74769615-T-C.
Other names: c.1A>G, p.Met1Val (NM_001353591.2, NM_001353592.2, NM_020325.3); c.-142A>G (NM_001353593.2, NM_001353594.2); c.-409A>G (NM_001353595.2); c.-281A>G (NM_001353596.2, NM_001353597.2); c.-230A>G (NM_001353598.2); c.-337A>G (NM_001353599.2, NM_020324.3); c.-349A>G (NM_001353600.2); c.-209A>G (NM_001353601.2); and 6 more; short protein forms M1V.
Identifiers: ClinVar variation 1374381 (VCV001374381.6), dbSNP rs2140174798, ClinGen allele CA390382060.